The following is an entry in ClinVar:

NM_000141.5(FGFR2):c.1207A>G (p.Thr403Ala)

Gene: FGFR2 (fibroblast growth factor receptor 2; minus strand). Cytogenetic location: 10q26.13.
Variant type: single nucleotide variant.
Coding change: c.1207A>G on transcript NM_000141.5 (MANE Select); coding-DNA position 1207, A replaced by G.
Protein change: p.Thr403Ala; replaces threonine 403 with alanine.
Molecular consequence: missense variant. On other transcripts: non-coding transcript variant (1), intron variant (1).
Genome position (GRCh38, 1-based): chr10:121,515,197, T>C on the plus strand (A>G on the coding strand, the complement: FGFR2 is on the minus strand). VCF-style: chr10-121515197-T-C. GRCh37 (hg19) VCF-style: chr10-123274711-T-C.
Other names: c.1210A>G, p.Thr404Ala (NM_001144913.1, NM_022970.4); c.871A>G, p.Thr291Ala (NM_001144914.1); c.940A>G, p.Thr314Ala (NM_001144915.2, NM_023029.3); c.862A>G, p.Thr288Ala (NM_001144916.2, NM_001144918.2); c.943A>G, p.Thr315Ala (NM_001144919.2); c.523A>G, p.Thr175Ala (NM_001320654.2); c.1207A>G, p.Thr403Ala (NM_001320658.2); c.939+4782A>G (NM_001144917.2); short protein forms T175A, T288A, T291A, T314A, T315A, T403A, T404A.
Identifiers: ClinVar variation 2502025 (VCV002502025.1), dbSNP rs2134224492, ClinGen allele CA378327105.

ClinVar aggregate classification (germline): Uncertain significance (1 of 4 stars; one submission).

gnomAD v4.1: 1 of 1,614,214 alleles (0.000062%); highest among the groups gnomAD compares: Non-Finnish European, 0.000085%; no homozygotes.

Submission:

GeneDx
Classification: Uncertain significance. Last evaluated: 2022-11-10. Review status: criteria provided, single submitter. Criteria: GeneDx Variant Classification Process June 2021. Collection method: clinical testing. Allele origin: germline. Affected: yes.
Comment: Not observed at significant frequency in large population cohorts (gnomAD); In silico analysis supports that this missense variant does not alter protein structure/function; Has not been previously published as pathogenic or benign to our knowledge